The following continues an entry in ClinVar:

NM_001127701.1(SERPINA1):c.839A>T (p.Asp280Val)

Gene: SERPINA1. ClinVar aggregate classification (germline): Pathogenic; other. Pathogenic (10).

Submission 19 of 19:

Department of Pathology and Laboratory Medicine, Sinai Health System
Classification: Likely pathogenic. Review status: no assertion criteria provided. Collection method: clinical testing. Allele origin: unknown. Affected: yes. Study: The Canadian Open Genetics Repository (COGR). Not counted in ClinVar's aggregate classification.
Comment: The SERPINA1 p.Asp280Val variant, often referred to as the Plowell protein variant, was identified in 12 of 248 proband chromosomes (2 homozygotes, frequency: 0.048) from individuals or families with alpha1-antitrypsin deficiency (AATD) and was not identified in 1500 control chromosomes from individuals with normal AAT serum levels (Graham_2015_PMID:26321041; Corda_2011_PMID:21474916; Bornhorst_2007_PMID:17906067). The variant was also identified in dbSNP (ID: rs121912714), LOVD 3.0 and in ClinVar (classified as pathogenic by Trillium Health Partners Credit Valley Hospital, likely pathogenic by Counsyl and CSER_CC_NCGL, University of Washington Medical Center, and 'other' by EGL Genetic Diagnostics). The variant was not identified in Cosmic. The variant was identified in control databases in 129 of 282876 chromosomes at a frequency of 0.000456 increasing the likelihood this could be a low frequency benign variant (Genome Aggregation Database Feb 27, 2017). The variant was observed in the following populations: Ashkenazi Jewish in 35 of 10370 chromosomes (freq: 0.003375), Latino in 20 of 35438 chromosomes (freq: 0.000564), Other in 4 of 7226 chromosomes (freq: 0.000554), European (non-Finnish) in 68 of 129190 chromosomes (freq: 0.000526) and South Asian in 2 of 30616 chromosomes (freq: 0.000065); it was not observed in the African, East Asian and European (Finnish) populations. Functional studies of the D280V variant have suggested increased intracellular protein degradation and have demonstrated delayed secretion of the AAT protein, with only the secreted form producing a stable SDS-complex with elastase while the intracellular form demonstrated reduced ability to form a stable complex. However little differences in stability to urea denaturation were observed compared to the wildtype (Ray_2006_PMID: 15949707; Holmes_1990_PMID:2240842). Another functional study found that the D280V variant caused delayed protein folding, however the stability and inhibitory activity of the protein was similar to wildtype once protein folding did occur (Jung_2004_PMID: 14767073). The variant occurs outside of the splicing consensus sequence and in silico or computational prediction software programs (SpliceSiteFinder, MaxEntScan, NNSPLICE, GeneSplicer) do not predict a difference in splicing. The p.Asp280 residue is not highly conserved in mammals and computational analyses (PolyPhen-2, SIFT, AlignGVGD, BLOSUM, MutationTaster) provide inconsistent predictions regarding the impact to the protein; this information is not very predictive of pathogenicity. In summary, based on the above information the clinical significance of this variant cannot be determined with certainty at this time although we would lean towards a more pathogenic role for this variant. This variant is classified as likely pathogenic.

Literature cited by the submitters: PubMed 2240842 (cited by 5 submitters); PubMed 2787118 (cited by 7 submitters); PubMed 2831367 (cited by Labcorp Genetics (formerly Invitae), Labcorp); PubMed 8364590 (cited by Labcorp Genetics (formerly Invitae), Labcorp and OMIM); PubMed 15744045 (cited by 3 submitters); PubMed 17906067 (cited by 4 submitters); PubMed 26321041 (cited by 4 submitters); PubMed 27296815 (cited by 3 submitters); PubMed 14767073 (cited by 5 submitters); PubMed 15949707 (cited by 3 submitters); PubMed 31661293 (cited by Women's Health and Genetics/Laboratory Corporation of America, LabCorp); PubMed 2606478 (cited by Eurofins Ntd Llc (ga) and OMIM); PubMed 2696185 (cited by OMIM); PubMed 1504305 (cited by OMIM); PubMed 21474916 (cited by Counsyl).